The following is an entry in ClinVar:

NM_000501.4(ELN):c.582del (p.Phe195fs)

Gene: ELN (elastin; plus strand). Cytogenetic location: 7q11.23.
Variant type: Deletion.
Coding change: c.582del on transcript NM_000501.4 (MANE Select); coding-DNA position 582, one base deleted (C; older notation c.582delC).
Protein change: p.Phe195fs; shifts the reading frame from phenylalanine 195.
Molecular consequence: frameshift variant.
Genome position (GRCh38, 1-based): chr7:74,046,706, C deleted; the last of 3 consecutive C bases (chr7:74,046,704-74,046,706); deleting any one gives the same sequence. VCF-style (leftmost placement, unchanged base first): chr7-74046703-AC-A. GRCh37 (hg19) VCF-style: chr7-73461033-AC-A.
Other names: c.552del, p.Phe185fs (NM_001081752.3, NM_001278917.2); c.597del, p.Phe200fs (NM_001081753.3, NM_001081754.3); c.582del, p.Phe195fs (NM_001081755.3, NM_001278912.2, NM_001278915.2 and 2 more transcripts); c.516del, p.Phe173fs (NM_001278913.2); c.567del, p.Phe190fs (NM_001278914.2); c.450del, p.Phe151fs (NM_001278918.2); short protein forms F151fs, F173fs, F185fs, F190fs, F195fs, F200fs.
Identifiers: ClinVar variation 1320044 (VCV001320044.1), dbSNP rs2131603022, ClinGen allele CA2573052915.
Genomic context (GRCh38, chr7:74,046,703, plus strand): 5'-GAGGGTTTGGAAGGGGGTGCTGGGACCTGAACTTGCTCTCTTTATTCCCACAGGAGTTGG[AC>A]CCTTTGGGGGACCGCAACCTGGAGTCCCACTGGGGTATCCCATCAAGGCCCCCAAGCTGC-3'

ClinVar aggregate classification (germline): Pathogenic (1 of 4 stars; one submission).

Conditions:
Supravalvar aortic stenosis (SVAS). Also called: Supravalvar aortic stenosis, Eisenberg type. Identifiers: Orphanet 3193, MedGen C0003499, MONDO:0008504, OMIM 185500, HP:0004381.

Submission:

3billion
Classification: Pathogenic for Supravalvar aortic stenosis. Last evaluated: 2021-10-02. Review status: criteria provided, single submitter. Criteria: ACMG Guidelines, 2015. Collection method: clinical testing. Allele origin: germline. Affected: yes. Observed: 1 heterozygote.
Comment: Frameshift: predicted to result in a loss or disruption of normal protein function through nonsense-mediated decay (NMD) or protein truncation. Multiple pathogenic variants are reported downstream of the variant (PVS1_VS). Multiple pathogenic variants are reported downstream of the variant (PVS1_VS). It is not observed in the gnomAD v2.1.1 dataset (PM2). The variant was observed as assumed (i.e. paternity and maternity not confirmed) de novoo (3billion dataset, PM6). Patient's phenotype is considered compatible with Supravalvar Aortic Stenosis (3billion dataset, PP4). Therefore, this variant is classified as pathogenic according to the recommendation of ACMG/AMP guideline.